The following is an entry in ClinVar:

NM_015909.4(NBAS):c.4976G>A (p.Arg1659Gln)

Gene: NBAS (NBAS subunit of NRZ tethering complex; minus strand). Cytogenetic location: 2p24.3.
Variant type: single nucleotide variant.
Coding change: c.4976G>A on transcript NM_015909.4 (MANE Select); coding-DNA position 4976, G replaced by A.
Protein change: p.Arg1659Gln; replaces arginine 1659 with glutamine.
Molecular consequence: missense variant. On other transcripts: non-coding transcript variant (1).
Genome position (GRCh38, 1-based): chr2:15,292,588, C>T on the plus strand (G>A on the coding strand, the complement: NBAS is on the minus strand). VCF-style: chr2-15292588-C-T. GRCh37 (hg19) VCF-style: chr2-15432712-C-T.
Other names: c.4976G>A (NM_015909.3); short protein forms R1659Q.
Identifiers: ClinVar variation 2419537 (VCV002419537.7), dbSNP rs201564440, ClinGen allele CA1535436.

ClinVar aggregate classification (germline): Conflicting classifications of pathogenicity. Review status: criteria provided, conflicting classifications (1 of 4 stars). 2 submissions from 2 submitters: Uncertain significance (1); Likely benign (1). Last evaluated 2026-04-02.

Conditions:
NBAS-related disorder. Also called: NBAS-related condition.

Allele frequency attached by ClinVar (database versions not stated): gnomAD exomes 0.00001; ExAC 0.00002; gnomAD 0.00005; TOPMed 0.00005; 1000 Genomes Project 30x 0.00016; 1000 Genomes Project 0.00020.
gnomAD v4.1: 26 of 1,614,142 alleles (0.0016%); highest among the groups gnomAD compares: East Asian, 0.011%; no homozygotes.

Submissions (2):

PreventionGenetics, part of Exact Sciences
Classification: Uncertain significance for NBAS-related condition. Last evaluated: 2026-04-02. Review status: criteria provided, single submitter. Criteria: ACMG Guidelines, 2015. Collection method: clinical testing. Allele origin: germline.
Comment: The NBAS c.4976G>A variant is predicted to result in the amino acid substitution p.Arg1659Gln. To our knowledge, this variant has not been reported in the literature. This variant is reported in 0.025% of alleles in individuals of East Asian descent in gnomAD. At this time, the clinical significance of this variant is uncertain due to the absence of conclusive functional and genetic evidence.

Labcorp Genetics (formerly Invitae), Labcorp
Classification: Likely benign. Last evaluated: 2025-12-26. Review status: criteria provided, single submitter. Criteria: Invitae Variant Classification Sherloc (09022015). Collection method: clinical testing. Allele origin: germline.